The following is an entry in ClinVar:

ClinVar aggregate classification (germline): Uncertain significance (1 of 4 stars; one submission).

Submission:

Labcorp Genetics (formerly Invitae), Labcorp
Classification: Uncertain significance. Last evaluated: 2021-09-10. Review status: criteria provided, single submitter. Criteria: Invitae Variant Classification Sherloc (09022015). Collection method: clinical testing. Allele origin: germline.
Comment: In summary, the available evidence is currently insufficient to determine the role of this variant in disease. Therefore, it has been classified as a Variant of Uncertain Significance. Advanced modeling of protein sequence and biophysical properties (such as structural, functional, and spatial information, amino acid conservation, physicochemical variation, residue mobility, and thermodynamic stability) performed at Invitae indicates that this missense variant is not expected to disrupt CLCNKB protein function. This variant has not been reported in the literature in individuals affected with CLCNKB-related conditions. This variant is not present in population databases (ExAC no frequency). This sequence change replaces alanine with aspartic acid at codon 321 of the CLCNKB protein (p.Ala321Asp). The alanine residue is moderately conserved and there is a moderate physicochemical difference between alanine and aspartic acid.

NM_000085.5(CLCNKB):c.962C>A (p.Ala321Asp)

Genes: CLCNKB (chloride voltage-gated channel Kb; plus strand), LOC106501713 (CLCNKB recombination region; plus strand). Cytogenetic location: 1p36.13.
Variant type: single nucleotide variant.
Coding change: c.962C>A on transcript NM_000085.5 (MANE Select); coding-DNA position 962, C replaced by A.
Protein change: p.Ala321Asp; replaces alanine 321 with aspartic acid.
Molecular consequence: missense variant.
Genome position (GRCh38, 1-based): chr1:16,049,910, C>A. VCF-style: chr1-16049910-C-A. GRCh37 (hg19) VCF-style: chr1-16376405-C-A.
Other names: c.455C>A, p.Ala152Asp (NM_001165945.2); short protein forms A152D, A321D.
Identifiers: ClinVar variation 1494690 (VCV001494690.6), dbSNP rs1399039201, ClinGen allele CA338638624.